The following is an entry in ClinVar:

ClinVar aggregate classification (germline): Uncertain significance (1 of 4 stars; one submission).

Submission:

GeneDx
Classification: Uncertain significance. Last evaluated: 2023-07-17. Review status: criteria provided, single submitter. Criteria: GeneDx Variant Classification Process June 2021. Collection method: clinical testing. Allele origin: germline. Affected: yes.
Comment: Not observed at significant frequency in large population cohorts (gnomAD); In silico analysis supports a deleterious effect on splicing; Has not been previously published as pathogenic or benign to our knowledge

NM_001378454.1(ALMS1):c.7541-10T>G

Gene: ALMS1 (ALMS1 centrosome and basal body associated protein; plus strand). Cytogenetic location: 2p13.1.
Variant type: single nucleotide variant.
Coding change: c.7541-10T>G on transcript NM_001378454.1 (MANE Select); 10 bases into the intron before coding-DNA position 7541, T replaced by G.
Molecular consequence: intron variant.
Genome position (GRCh38, 1-based): chr2:73,455,152, T>G. VCF-style: chr2-73455152-T-G. GRCh37 (hg19) VCF-style: chr2-73682279-T-G.
Other names: c.7541-10T>G (NM_015120.4).
Identifiers: ClinVar variation 3361088 (VCV003361088.1).